The following is an entry in ClinVar:

ClinVar aggregate classification (germline): Uncertain significance. Review status: criteria provided, multiple submitters, no conflicts (2 of 4 stars). 2 submissions from 2 submitters: Uncertain significance (2). Last evaluated 2025-10-06.

Conditions:
Inborn genetic diseases. Identifiers: MedGen C0950123, MeSH D030342.
Baller-Gerold syndrome (BGS). Also called: CRANIOSYNOSTOSIS WITH RADIAL DEFECTS. Identifiers: Orphanet 1225, MedGen C0265308, MONDO:0009039, OMIM 218600.

Allele frequency attached by ClinVar (database versions not stated): ExAC 0.00001.
gnomAD v4.1: 6 of 1,612,788 alleles (0.00037%); highest among the groups gnomAD compares: Non-Finnish European, 0.00051%; no homozygotes.

Submissions (2):

Labcorp Genetics (formerly Invitae), Labcorp
Classification: Uncertain significance for Baller-Gerold syndrome. Last evaluated: 2025-10-06. Review status: criteria provided, single submitter. Criteria: Invitae Variant Classification Sherloc (09022015). Collection method: clinical testing. Allele origin: germline.
Comment: This sequence change replaces leucine, which is neutral and non-polar, with phenylalanine, which is neutral and non-polar, at codon 453 of the RECQL4 protein (p.Leu453Phe). This variant is present in population databases (rs754354054, gnomAD 0.0009%). This missense change has been observed in individual(s) with clinical features of RECQL4-related conditions (PMID: 27498913). ClinVar contains an entry for this variant (Variation ID: 459317). Invitae Evidence Modeling of protein sequence and biophysical properties (such as structural, functional, and spatial information, amino acid conservation, physicochemical variation, residue mobility, and thermodynamic stability) indicates that this missense variant is not expected to disrupt RECQL4 protein function with a negative predictive value of 80%. In summary, the available evidence is currently insufficient to determine the role of this variant in disease. Therefore, it has been classified as a Variant of Uncertain Significance.

Ambry Genetics
Classification: Uncertain significance for Inborn genetic diseases. Last evaluated: 2025-03-06. Review status: criteria provided, single submitter. Criteria: Ambry Variant Classification Scheme 2023. Collection method: clinical testing. Allele origin: germline.
Comment: The p.L453F variant (also known as c.1357C>T), located in coding exon 7 of the RECQL4 gene, results from a C to T substitution at nucleotide position 1357. The leucine at codon 453 is replaced by phenylalanine, an amino acid with highly similar properties. This amino acid position is conserved. In addition, this alteration is predicted to be tolerated by in silico analysis. Based on the available evidence, the clinical significance of this variant remains unclear.

Literature cited by the submitters: PubMed 27498913 (cited by Labcorp Genetics (formerly Invitae), Labcorp).

NM_004260.4(RECQL4):c.1357C>T (p.Leu453Phe)

Gene: RECQL4 (RecQ like helicase 4; minus strand). Cytogenetic location: 8q24.3.
Variant type: single nucleotide variant.
Coding change: c.1357C>T on transcript NM_004260.4 (MANE Select); coding-DNA position 1357, C replaced by T.
Protein change: p.Leu453Phe; replaces leucine 453 with phenylalanine.
Molecular consequence: missense variant.
Genome position (GRCh38, 1-based): chr8:144,515,359, G>A on the plus strand (C>T on the coding strand, the complement: RECQL4 is on the minus strand). VCF-style: chr8-144515359-G-A. GRCh37 (hg19) VCF-style: chr8-145740743-G-A.
Other names: short protein forms L453F.
Identifiers: ClinVar variation 459317 (VCV000459317.8), dbSNP rs754354054, ClinGen allele CA4948907.